The following is an entry in ClinVar:

ClinVar aggregate classification (germline): Uncertain significance (1 of 4 stars; one submission).

Conditions:
Hereditary cancer-predisposing syndrome. Also called: Neoplastic Syndromes, Hereditary; Hereditary neoplastic syndrome; Tumor predisposition; Hereditary Cancer Syndrome. Identifiers: Orphanet 140162, MedGen C0027672, MeSH D009386, MONDO:0015356.

Submission:

Ambry Genetics
Classification: Uncertain significance for Hereditary cancer-predisposing syndrome. Last evaluated: 2026-03-02. Review status: criteria provided, single submitter. Criteria: Ambry Variant Classification Scheme 2023. Collection method: clinical testing. Allele origin: germline.
Comment: The c.2276-3delT intronic variant, located in intron 13 of the PMS2 gene, results from a deletion of one nucleotide within intron 13 of the PMS2 gene. This nucleotide position is not well conserved in available vertebrate species. In silico splice site analysis for this alteration is inconclusive. Based on the available evidence, the clinical significance of this variant remains unclear.

NM_000535.7(PMS2):c.2276-3del

Gene: PMS2 (PMS1 homolog 2, mismatch repair system component; minus strand). Cytogenetic location: 7p22.1.
Variant type: Deletion.
Coding change: c.2276-3del on transcript NM_000535.7 (MANE Select); 3 bases into the intron before coding-DNA position 2276, one base deleted (T; older notation c.2276-3delT).
Molecular consequence: intron variant. On other transcripts: nonsense (2).
Genome position (GRCh38, 1-based): chr7:5,977,760, A deleted on the plus strand (T on the coding strand, the reverse complement: PMS2 is on the minus strand); the first of 4 consecutive A bases (chr7:5,977,760-5,977,763); deleting any one gives the same sequence. VCF-style (leftmost placement, unchanged base first): chr7-5977759-TA-T. GRCh37 (hg19) VCF-style: chr7-6017390-TA-T.
Other names: c.1901del, p.Leu633_Leu634insTer (NM_001322009.2); c.2306del, p.Leu768_Leu769insTer (NM_001322014.2); c.1958-3del (NM_001322008.2, NM_001322007.2); c.1715-3del (NM_001322010.2); c.1871-3del (NM_001322004.2, NM_001322003.2, NM_001322005.2); c.1703-3del (NM_001322013.2); c.1343-3del (NM_001322012.2, NM_001322011.2); c.1967-3del (NM_001322015.2); and 1 more.
Identifiers: ClinVar variation 141923 (VCV000141923.4), dbSNP rs587782116, ClinGen allele CA011179.
Genomic context (GRCh38, chr7:5,977,759, plus strand): 5'-GAAGGTCCAGTTTTTACTAGTTGGCAAGGAAATCAGTTTAGCCCTTTCAGTGACTGGAGC[TA>T]AAAGAATACAATTTTGAGAAAAATCCATGACTTGACAAACACGTTTCACTTGAAAGCTAC-3'